The following is an entry in ClinVar:

ClinVar aggregate classification (germline): Uncertain significance (1 of 4 stars; one submission).

Submission:

Labcorp Genetics (formerly Invitae), Labcorp
Classification: Uncertain significance. Last evaluated: 2026-01-05. Review status: criteria provided, single submitter. Criteria: Invitae Variant Classification Sherloc (09022015). Collection method: clinical testing. Allele origin: germline.
Comment: This sequence change replaces threonine, which is neutral and polar, with lysine, which is basic and polar, at codon 32 of the EXOSC2 protein (p.Thr32Lys). This variant is not present in population databases (gnomAD no frequency). This variant has not been reported in the literature in individuals affected with EXOSC2-related conditions. ClinVar contains an entry for this variant (Variation ID: 1504157). Invitae Evidence Modeling of protein sequence and biophysical properties (such as structural, functional, and spatial information, amino acid conservation, physicochemical variation, residue mobility, and thermodynamic stability) indicates that this missense variant is not expected to disrupt EXOSC2 protein function with a negative predictive value of 80%. In summary, the available evidence is currently insufficient to determine the role of this variant in disease. Therefore, it has been classified as a Variant of Uncertain Significance.

NM_014285.7(EXOSC2):c.95C>A (p.Thr32Lys)

Genes: EXOSC2 (exosome component 2; plus strand), LOC130002815 (ATAC-STARR-seq lymphoblastoid active region 29156; plus strand). Cytogenetic location: 9q34.12.
Variant type: single nucleotide variant.
Coding change: c.95C>A on transcript NM_014285.7 (MANE Select); coding-DNA position 95, C replaced by A.
Protein change: p.Thr32Lys; replaces threonine 32 with lysine.
Molecular consequence: missense variant. On other transcripts: non-coding transcript variant (1).
Genome position (GRCh38, 1-based): chr9:130,693,886, C>A. VCF-style: chr9-130693886-C-A. GRCh37 (hg19) VCF-style: chr9-133569273-C-A.
Other names: c.95C>A, p.Thr32Lys (NM_001282708.1, NM_001282709.1); short protein forms T32K.
Identifiers: ClinVar variation 1504157 (VCV001504157.6), dbSNP rs2132623134, ClinGen allele CA375246043.